The following is an entry in ClinVar:

NM_003076.5(SMARCD1):c.503T>C (p.Ile168Thr)

Gene: SMARCD1 (SWI/SNF related, matrix associated, actin dependent regulator of chromatin, subfamily d, member 1; plus strand). Cytogenetic location: 12q13.12.
Variant type: single nucleotide variant.
Coding change: c.503T>C on transcript NM_003076.5 (MANE Select); coding-DNA position 503, T replaced by C.
Protein change: p.Ile168Thr; replaces isoleucine 168 with threonine.
Molecular consequence: missense variant.
Genome position (GRCh38, 1-based): chr12:50,086,850, T>C. VCF-style: chr12-50086850-T-C. GRCh37 (hg19) VCF-style: chr12-50480633-T-C.
Other names: c.503T>C, p.Ile168Thr (NM_139071.3); short protein forms I168T.
Identifiers: ClinVar variation 1702543 (VCV001702543.2), dbSNP rs2137873540, ClinGen allele CA384787077.

ClinVar aggregate classification (germline): Uncertain significance (1 of 4 stars; one submission).

Submission:

GeneDx
Classification: Uncertain significance. Last evaluated: 2022-02-17. Review status: criteria provided, single submitter. Criteria: GeneDx Variant Classification Process June 2021. Collection method: clinical testing. Allele origin: germline. Affected: yes.
Comment: Not observed at significant frequency in large population cohorts (gnomAD); In silico analysis supports that this missense variant has a deleterious effect on protein structure/function; Has not been previously published as pathogenic or benign to our knowledge